The following is an entry in ClinVar:

NM_001257096.2(PAX1):c.*111A>G

Gene: PAX1 (paired box 1; plus strand). Cytogenetic location: 20p11.22.
Variant type: single nucleotide variant.
Coding change: c.*111A>G on transcript NM_001257096.2 (MANE Select); 111 bases downstream of the stop codon, A replaced by G.
Molecular consequence: 3 prime UTR variant. On other transcripts: missense variant (1).
Genome position (GRCh38, 1-based): chr20:21,714,673, A>G. VCF-style: chr20-21714673-A-G. GRCh37 (hg19) VCF-style: chr20-21695311-A-G.
Other names: c.1475A>G, p.Glu492Gly (NM_006192.5); short protein forms E492G.
Identifiers: ClinVar variation 1431829 (VCV001431829.6), dbSNP rs2122150081, ClinGen allele CA408500183.

ClinVar aggregate classification (germline): Uncertain significance (1 of 4 stars; one submission).

Submission:

Labcorp Genetics (formerly Invitae), Labcorp
Classification: Uncertain significance. Last evaluated: 2021-08-20. Review status: criteria provided, single submitter. Criteria: Invitae Variant Classification Sherloc (09022015). Collection method: clinical testing. Allele origin: germline.
Comment: This sequence change replaces glutamic acid with glycine at codon 492 of the PAX1 protein (p.Glu492Gly). The glutamic acid residue is weakly conserved and there is a moderate physicochemical difference between glutamic acid and glycine. Algorithms developed to predict the effect of missense changes on protein structure and function output the following: SIFT: "Tolerated"; PolyPhen-2: "Benign"; Align-GVGD: "Class C0". The glycine amino acid residue is found in multiple mammalian species, which suggests that this missense change does not adversely affect protein function. This variant has not been reported in the literature in individuals affected with PAX1-related conditions. This variant is not present in population databases (ExAC no frequency). In summary, the available evidence is currently insufficient to determine the role of this variant in disease. Therefore, it has been classified as a Variant of Uncertain Significance.